The following is an entry in ClinVar:

ClinVar aggregate classification (germline): Uncertain significance. Review status: criteria provided, multiple submitters, no conflicts (2 of 4 stars). 2 submissions from 2 submitters: Uncertain significance (2). Last evaluated 2024-07-22.

gnomAD v4.1: 1 of 1,590,862 alleles (0.000063%); no homozygotes.

Submissions (2):

Labcorp Genetics (formerly Invitae), Labcorp
Classification: Uncertain significance. Last evaluated: 2024-07-22. Review status: criteria provided, single submitter. Criteria: Invitae Variant Classification Sherloc (09022015). Collection method: clinical testing. Allele origin: germline.
Comment: This sequence change replaces glycine, which is neutral and non-polar, with aspartic acid, which is acidic and polar, at codon 1293 of the ALPK3 protein (p.Gly1293Asp). This variant is not present in population databases (gnomAD no frequency). This variant has not been reported in the literature in individuals affected with ALPK3-related conditions. ClinVar contains an entry for this variant (Variation ID: 1809949). An algorithm developed to predict the effect of missense changes on protein structure and function outputs the following: PolyPhen-2: "Benign". The aspartic acid amino acid residue is found in multiple mammalian species, which suggests that this missense change does not adversely affect protein function. In summary, the available evidence is currently insufficient to determine the role of this variant in disease. Therefore, it has been classified as a Variant of Uncertain Significance.

GeneDx
Classification: Uncertain significance. Last evaluated: 2022-06-30. Review status: criteria provided, single submitter. Criteria: GeneDx Variant Classification Process June 2021. Collection method: clinical testing. Allele origin: germline. Affected: yes.
Comment: Not observed at significant frequency in large population cohorts (gnomAD); In silico analysis supports that this missense variant does not alter protein structure/function; Has not been previously published as pathogenic or benign to our knowledge

NM_020778.5(ALPK3):c.3272G>A (p.Gly1091Asp)

Gene: ALPK3 (alpha kinase 3; plus strand). Cytogenetic location: 15q25.3.
Variant type: single nucleotide variant.
Coding change: c.3272G>A on transcript NM_020778.5 (MANE Select); coding-DNA position 3272, G replaced by A.
Protein change: p.Gly1091Asp; replaces glycine 1091 with aspartic acid.
Molecular consequence: missense variant.
Genome position (GRCh38, 1-based): chr15:84,858,010, G>A. VCF-style: chr15-84858010-G-A. GRCh37 (hg19) VCF-style: chr15-85401241-G-A.
Other names: short protein forms G1091D.
Identifiers: ClinVar variation 1809949 (VCV001809949.3), dbSNP rs746835641, ClinGen allele CA393359941.